The following is an entry in ClinVar:

ClinVar aggregate classification (germline): Pathogenic (1 of 4 stars; one submission).

Submission:

Quest Diagnostics Nichols Institute San Juan Capistrano
Classification: Pathogenic. Last evaluated: 2021-09-30. Review status: criteria provided, single submitter. Criteria: Quest Diagnostics criteria. Collection method: clinical testing. Allele origin: unknown.
Comment: A deletion of exons 1-2 in the BRCA1 gene is predicted to result in loss of the initiator codon and cause absent or disrupted BRCA1 protein synthesis. It has not been reported in large, multi-ethnic general populations. In the published literature, the variant has been reported in families with hereditary breast and ovarian cancer (PMIDs: 24825132 (2014), 23479189 (2013), 20727672 (2010), 19405878 (2009), 17561994 (2007), and 16715518 (2006)). Based on the available information, this variant is classified as pathogenic.

Literature cited by the submitters: PubMed 19405878; PubMed 16715518; PubMed 23479189; PubMed 20727672; PubMed 17561994; PubMed 24825132.

NM_007294.3:c.-232_80del

Gene: BRCA1 (BRCA1 DNA repair associated; minus strand).
Variant type: Deletion.
Identifiers: ClinVar variation 1809531 (VCV001809531.1).